The following is an entry in ClinVar:

ClinVar aggregate classification (germline): Uncertain significance. Review status: criteria provided, multiple submitters, no conflicts (2 of 4 stars). 2 submissions from 2 submitters: Uncertain significance (2). Last evaluated 2025-12-07.

Conditions:
Hereditary cancer-predisposing syndrome. Also called: Hereditary neoplastic syndrome; Hereditary Cancer Syndrome; Neoplastic Syndromes, Hereditary; Tumor predisposition. Identifiers: Orphanet 140162, MedGen C0027672, MeSH D009386, MONDO:0015356.

Allele frequency attached by ClinVar (database versions not stated): gnomAD exomes 0.00001; TOPMed 0.00001.
gnomAD v4.1: 8 of 1,606,520 alleles (0.0005%); highest among the groups gnomAD compares: Non-Finnish European, 0.00068%; no homozygotes.

Submissions (2):

Ambry Genetics
Classification: Uncertain significance for Hereditary cancer-predisposing syndrome. Last evaluated: 2025-12-07. Review status: criteria provided, single submitter. Criteria: Ambry Variant Classification Scheme 2023. Collection method: clinical testing. Allele origin: germline.
Comment: The p.K50Q variant (also known as c.148A>C), located in coding exon 2 of the RAD50 gene, results from an A to C substitution at nucleotide position 148. The lysine at codon 50 is replaced by glutamine, an amino acid with similar properties. This amino acid position is well conserved in available vertebrate species. In addition, this alteration is predicted to be tolerated by in silico analysis. Since supporting evidence is limited at this time, the clinical significance of this alteration remains unclear.

Labcorp Genetics (formerly Invitae), Labcorp
Classification: Uncertain significance for Hereditary cancer-predisposing syndrome. Last evaluated: 2023-11-17. Review status: criteria provided, single submitter. Criteria: Invitae Variant Classification Sherloc (09022015). Collection method: clinical testing. Allele origin: germline.
Comment: This sequence change replaces lysine, which is basic and polar, with glutamine, which is neutral and polar, at codon 50 of the RAD50 protein (p.Lys50Gln). This variant is not present in population databases (gnomAD no frequency). This variant has not been reported in the literature in individuals affected with RAD50-related conditions. ClinVar contains an entry for this variant (Variation ID: 230076). Advanced modeling of protein sequence and biophysical properties (such as structural, functional, and spatial information, amino acid conservation, physicochemical variation, residue mobility, and thermodynamic stability) performed at Invitae indicates that this missense variant is expected to disrupt RAD50 protein function with a positive predictive value of 80%. In summary, the available evidence is currently insufficient to determine the role of this variant in disease. Therefore, it has been classified as a Variant of Uncertain Significance.

NM_005732.4(RAD50):c.148A>C (p.Lys50Gln)

Gene: RAD50 (RAD50 double strand break repair protein; plus strand). Cytogenetic location: 5q31.1.
Variant type: single nucleotide variant.
Coding change: c.148A>C on transcript NM_005732.4 (MANE Select); coding-DNA position 148, A replaced by C.
Protein change: p.Lys50Gln; replaces lysine 50 with glutamine.
Molecular consequence: missense variant.
Genome position (GRCh38, 1-based): chr5:132,559,302, A>C. VCF-style: chr5-132559302-A-C. GRCh37 (hg19) VCF-style: chr5-131894994-A-C.
Other names: short protein forms K50Q.
Identifiers: ClinVar variation 230076 (VCV000230076.12), dbSNP rs876658371, ClinGen allele CA10578474.